The following is an entry in ClinVar:

NM_000152.5(GAA):c.732G>C (p.Gln244His)

Gene: GAA (alpha glucosidase; plus strand). Cytogenetic location: 17q25.3.
Variant type: single nucleotide variant.
Coding change: c.732G>C on transcript NM_000152.5 (MANE Select); coding-DNA position 732, G replaced by C.
Protein change: p.Gln244His; replaces glutamine 244 with histidine.
Molecular consequence: missense variant.
Genome position (GRCh38, 1-based): chr17:80,107,596, G>C. VCF-style: chr17-80107596-G-C. GRCh37 (hg19) VCF-style: chr17-78081395-G-C.
Other names: c.732G>C, p.Gln244His (NM_001079803.3, NM_001079804.3); short protein forms Q244H.
Identifiers: ClinVar variation 1051165 (VCV001051165.15), dbSNP rs1178922366, ClinGen allele CA401363204.

ClinVar aggregate classification (germline): Conflicting classifications of pathogenicity. Review status: criteria provided, conflicting classifications (1 of 4 stars). 3 submissions from 3 submitters: Likely pathogenic (1); Uncertain significance (1). 1 of the submissions does not count toward it. Last evaluated 2025-12-27.

Conditions:
Glycogen storage disease, type II (IOPD). Also called: GLYCOGENOSIS, GENERALIZED, CARDIAC FORM; GSD II; Glucosidase acid-1,4-alpha deficiency; CARDIOMEGALIA GLYCOGENICA DIFFUSA; Pompe Disease; POMPE DISEASE, INFANTILE-ONSET. Identifiers: Orphanet 365, MedGen C0017921, MONDO:0009290, OMIM 232300.

Allele frequency attached by ClinVar (database versions not stated): gnomAD exomes below 0.00001 and 0.00001.
gnomAD v4.1: 7 of 1,613,246 alleles (0.00043%); highest among the groups gnomAD compares: South Asian, 0.0077%; no homozygotes.

Submissions (3):

Labcorp Genetics (formerly Invitae), Labcorp
Classification: Likely pathogenic for Glycogen storage disease, type II. Last evaluated: 2025-12-27. Review status: criteria provided, single submitter. Criteria: Invitae Variant Classification Sherloc (09022015). Collection method: clinical testing. Allele origin: germline.
Comment: This sequence change replaces glutamine, which is neutral and polar, with histidine, which is basic and polar, at codon 244 of the GAA protein (p.Gln244His). This variant is present in population databases (no rsID available, gnomAD 0.003%). This missense change has been observed in individual(s) with clinical features of Pompe disease (internal data). ClinVar contains an entry for this variant (Variation ID: 1051165). Invitae Evidence Modeling of protein sequence and biophysical properties (such as structural, functional, and spatial information, amino acid conservation, physicochemical variation, residue mobility, and thermodynamic stability) indicates that this missense variant is expected to disrupt GAA protein function with a positive predictive value of 95%. In summary, the currently available evidence indicates that the variant is pathogenic, but additional data are needed to prove that conclusively. Therefore, this variant has been classified as Likely Pathogenic.

Revvity Omics, Revvity
Classification: Uncertain significance. Last evaluated: 2020-02-28. Review status: criteria provided, single submitter. Criteria: ACMG Guidelines, 2015. Collection method: clinical testing. Allele origin: germline.

Natera, Inc.
Classification: Uncertain significance for Glycogen storage disease type II. Last evaluated: 2020-11-10. Review status: no assertion criteria provided. Collection method: clinical testing. Allele origin: germline. Not counted in ClinVar's aggregate classification.